The following is an entry in ClinVar:

ClinVar aggregate classification (germline): Likely benign (1 of 4 stars; one submission).

Submission:

CeGaT Center for Human Genetics Tuebingen
Classification: Likely benign. Last evaluated: 2026-06-01. Review status: criteria provided, single submitter. Criteria: CeGaT Center For Human Genetics Tuebingen Variant Classification Criteria Version 2. Collection method: clinical testing. Allele origin: germline. Affected: yes. Observed: 12 variant alleles.
Comment: FPGS: BP4, BS1

NM_004957.6(FPGS):c.1496C>T (p.Ser499Phe)

Gene: FPGS (folylpolyglutamate synthase; plus strand). Cytogenetic location: 9q34.11.
Variant type: single nucleotide variant.
Coding change: c.1496C>T on transcript NM_004957.6 (MANE Select); coding-DNA position 1496, C replaced by T.
Protein change: p.Ser499Phe; replaces serine 499 with phenylalanine.
Molecular consequence: missense variant. On other transcripts: non-coding transcript variant (1).
Genome position (GRCh38, 1-based): chr9:127,813,336, C>T. VCF-style: chr9-127813336-C-T. GRCh37 (hg19) VCF-style: chr9-130575615-C-T.
Other names: c.1346C>T, p.Ser449Phe (NM_001018078.2); c.1418C>T, p.Ser473Phe (NM_001288803.1); short protein forms S449F, S473F, S499F.
Identifiers: ClinVar variation 3905101 (VCV003905101.10).
Genomic context (GRCh38, chr9:127,813,336, plus strand): 5'-AAGAGCAGGCCAGCCCGGACCTCTGGAGTGCCCCCAGCCCAGAGCCCGGTGGGTCCGCAT[C>T]CCTGCTTCTGGCGCCCCACCCACCCCACACCTGCAGTGCCAGCTCCCTCGTCTTCAGCTG-3'
Protein context (NP_004948.4, residues 489-509): APSPEPGGSA[Ser499Phe]LLLAPHPPHT